The following is an entry in ClinVar:

ClinVar aggregate classification (germline): Uncertain significance (1 of 4 stars; one submission).

Submission:

GeneDx
Classification: Uncertain significance. Last evaluated: 2024-07-22. Review status: criteria provided, single submitter. Criteria: GeneDx Variant Classification Process June 2021. Collection method: clinical testing. Allele origin: germline. Affected: yes.
Comment: Not observed at significant frequency in large population cohorts (gnomAD); In silico analysis indicates that this missense variant does not alter protein structure/function; Has not been previously published as pathogenic or benign to our knowledge; Reported using an alternate transcript of the gene

NM_153676.4(USH1C):c.1775C>A (p.Ser592Tyr)

Gene: USH1C (USH1 protein network component harmonin; minus strand). Cytogenetic location: 11p15.1.
Variant type: single nucleotide variant.
Coding change: c.1775C>A on transcript NM_153676.4 (MANE Select); coding-DNA position 1775, C replaced by A.
Protein change: p.Ser592Tyr; replaces serine 592 with tyrosine.
Molecular consequence: missense variant. On other transcripts: intron variant (2).
Genome position (GRCh38, 1-based): chr11:17,509,594, G>T on the plus strand (C>A on the coding strand, the complement: USH1C is on the minus strand). VCF-style: chr11-17509594-G-T. GRCh37 (hg19) VCF-style: chr11-17531141-G-T.
Other names: c.1228-7614C>A (NM_001297764.2); c.1285-7614C>A (NM_005709.4); short protein forms S592Y.
Identifiers: ClinVar variation 3600815 (VCV003600815.1).